The following is an entry in ClinVar:

ClinVar aggregate classification (germline): Uncertain significance. Review status: criteria provided, multiple submitters, no conflicts (2 of 4 stars). 5 submissions from 5 submitters: Uncertain significance (4). 1 of the submissions does not count toward it. Last evaluated 2026-02-05.

Conditions:
Inborn genetic diseases. Identifiers: MedGen C0950123, MeSH D030342.
Usher syndrome type 1C. Also called: USHER SYNDROME, TYPE I, ACADIAN VARIETY. Identifiers: Orphanet 231169, Orphanet 886, MedGen C1848604, MONDO:0010171, OMIM 276904.

Allele frequency attached by ClinVar (database versions not stated): gnomAD exomes 0.00001 and 0.00002; ExAC 0.00002; gnomAD 0.00002; TOPMed 0.00002.
gnomAD v4.1: 13 of 1,614,030 alleles (0.00081%); highest among the groups gnomAD compares: Admixed American, 0.005%; no homozygotes.

Submissions (5):

GeneDx
Classification: Uncertain significance. Last evaluated: 2026-02-05. Review status: criteria provided, single submitter. Criteria: GeneDx Variant Classification Process June 2021. Collection method: clinical testing. Allele origin: germline.
Comment: Not observed at significant frequency in large population cohorts (gnomAD); In silico analysis suggests that this missense variant does not alter protein structure/function; Has not been previously published as pathogenic or benign to our knowledge

Ambry Genetics
Classification: Uncertain significance for Inborn genetic diseases. Last evaluated: 2025-11-23. Review status: criteria provided, single submitter. Criteria: Ambry Variant Classification Scheme 2023. Collection method: clinical testing. Allele origin: germline.

Labcorp Genetics (formerly Invitae), Labcorp
Classification: Uncertain significance. Last evaluated: 2022-06-20. Review status: criteria provided, single submitter. Criteria: Invitae Variant Classification Sherloc (09022015). Collection method: clinical testing. Allele origin: germline.
Comment: This sequence change replaces arginine, which is basic and polar, with histidine, which is basic and polar, at codon 282 of the USH1C protein (p.Arg282His). This variant is present in population databases (rs779111365, gnomAD 0.006%). This variant has not been reported in the literature in individuals affected with USH1C-related conditions. ClinVar contains an entry for this variant (Variation ID: 303808). Algorithms developed to predict the effect of missense changes on protein structure and function (SIFT, PolyPhen-2, Align-GVGD) all suggest that this variant is likely to be tolerated. In summary, the available evidence is currently insufficient to determine the role of this variant in disease. Therefore, it has been classified as a Variant of Uncertain Significance.

Illumina Laboratory Services, Illumina
Classification: Uncertain significance for Usher syndrome type 1C. Last evaluated: 2018-01-13. Review status: criteria provided, single submitter. Criteria: ICSL Variant Classification Criteria 13 December 2019. Collection method: clinical testing. Allele origin: germline.

Natera, Inc.
Classification: Uncertain significance for Usher syndrome type 1C. Last evaluated: 2019-11-11. Review status: no assertion criteria provided. Collection method: clinical testing. Allele origin: germline. Not counted in ClinVar's aggregate classification.

NM_153676.4(USH1C):c.845G>A (p.Arg282His)

Gene: USH1C (USH1 protein network component harmonin; minus strand). Cytogenetic location: 11p15.1.
Variant type: single nucleotide variant.
Coding change: c.845G>A on transcript NM_153676.4 (MANE Select); coding-DNA position 845, G replaced by A.
Protein change: p.Arg282His; replaces arginine 282 with histidine.
Molecular consequence: missense variant. On other transcripts: non-coding transcript variant (1), intron variant (1).
Genome position (GRCh38, 1-based): chr11:17,523,242, C>T on the plus strand (G>A on the coding strand, the complement: USH1C is on the minus strand). VCF-style: chr11-17523242-C-T. GRCh37 (hg19) VCF-style: chr11-17544789-C-T.
Other names: c.845G>A, p.Arg282His (NM_005709.4); c.819+177G>A (NM_001297764.2); short protein forms R282H.
Identifiers: ClinVar variation 303808 (VCV000303808.17), dbSNP rs779111365, ClinGen allele CA5904838.